The following is an entry in ClinVar:

NM_020975.6(RET):c.400G>A (p.Glu134Lys)

Gene: RET (ret proto-oncogene; plus strand). Cytogenetic location: 10q11.21.
Variant type: single nucleotide variant.
Coding change: c.400G>A on transcript NM_020975.6 (MANE Select); coding-DNA position 400, G replaced by A.
Protein change: p.Glu134Lys; replaces glutamic acid 134 with lysine.
Molecular consequence: missense variant.
Genome position (GRCh38, 1-based): chr10:43,102,404, G>A. VCF-style: chr10-43102404-G-A. GRCh37 (hg19) VCF-style: chr10-43597852-G-A.
Other names: c.400G>A, p.Glu134Lys (NM_000323.2, NM_001406743.1, NM_001406744.1 and 16 more transcripts); short protein forms E134K.
Identifiers: ClinVar variation 1495459 (VCV001495459.10), dbSNP rs2132679409, ClinGen allele CA376770740.

ClinVar aggregate classification (germline): Uncertain significance. Review status: criteria provided, multiple submitters, no conflicts (2 of 4 stars). 2 submissions from 2 submitters: Uncertain significance (2). Last evaluated 2024-03-23.

Conditions:
Hereditary cancer-predisposing syndrome. Also called: Tumor predisposition; Hereditary neoplastic syndrome; Neoplastic Syndromes, Hereditary; Hereditary Cancer Syndrome. Identifiers: Orphanet 140162, MedGen C0027672, MeSH D009386, MONDO:0015356.
Multiple endocrine neoplasia, type 2 (MEN2). Identifiers: Orphanet 653, MedGen C4048306, MONDO:0019003. Disease mechanism: gain of function.

Submissions (2):

Ambry Genetics
Classification: Uncertain significance for Hereditary cancer-predisposing syndrome. Last evaluated: 2024-03-23. Review status: criteria provided, single submitter. Criteria: Ambry Variant Classification Scheme 2023. Collection method: clinical testing. Allele origin: germline.
Comment: The p.E134K variant (also known as c.400G>A), located in coding exon 3 of the RET gene, results from a G to A substitution at nucleotide position 400. The glutamic acid at codon 134 is replaced by lysine, an amino acid with similar properties. This amino acid position is well conserved in available vertebrate species. In addition, the in silico prediction for this alteration is inconclusive. Based on the available evidence, the clinical significance of this alteration remains unclear.

Labcorp Genetics (formerly Invitae), Labcorp
Classification: Uncertain significance for Multiple endocrine neoplasia, type 2. Last evaluated: 2021-03-07. Review status: criteria provided, single submitter. Criteria: Invitae Variant Classification Sherloc (09022015). Collection method: clinical testing. Allele origin: germline.
Comment: This sequence change replaces glutamic acid with lysine at codon 134 of the RET protein (p.Glu134Lys). The glutamic acid residue is moderately conserved and there is a small physicochemical difference between glutamic acid and lysine. This variant is not present in population databases (ExAC no frequency). This variant has not been reported in the literature in individuals with RET-related conditions. Algorithms developed to predict the effect of missense changes on protein structure and function are either unavailable or do not agree on the potential impact of this missense change (SIFT: "Tolerated"; PolyPhen-2: "Possibly Damaging"; Align-GVGD: "Class C0"). In summary, the available evidence is currently insufficient to determine the role of this variant in disease. Therefore, it has been classified as a Variant of Uncertain Significance.